The following is an entry in ClinVar:

NM_007078.3(LDB3):c.1862T>G (p.Val621Gly)

Gene: LDB3 (LIM domain binding 3; plus strand). Cytogenetic location: 10q23.2.
Variant type: single nucleotide variant.
Coding change: c.1862T>G on transcript NM_007078.3 (MANE Select); coding-DNA position 1862, T replaced by G.
Protein change: p.Val621Gly; replaces valine 621 with glycine.
Molecular consequence: missense variant.
Genome position (GRCh38, 1-based): chr10:86,718,731, T>G. VCF-style: chr10-86718731-T-G. GRCh37 (hg19) VCF-style: chr10-88478488-T-G.
Other names: c.1532T>G, p.Val511Gly (NM_001080114.2); c.1877T>G, p.Val626Gly (NM_001171610.2); c.1673T>G, p.Val558Gly (NM_001368064.1, NM_001368065.1); c.1721T>G, p.Val574Gly (NM_001368066.1); short protein forms V511G, V574G, V621G, V626G, V558G.
Identifiers: ClinVar variation 1781533 (VCV001781533.2), dbSNP rs2492819698, ClinGen allele CA377453008.

ClinVar aggregate classification (germline): Uncertain significance (1 of 4 stars; one submission).

Conditions:
Cardiovascular phenotype. Identifiers: MedGen CN230736.

Submission:

Ambry Genetics
Classification: Uncertain significance for Cardiovascular phenotype. Last evaluated: 2021-11-09. Review status: criteria provided, single submitter. Criteria: Ambry Variant Classification Scheme 2023. Collection method: clinical testing. Allele origin: germline.
Comment: The p.V621G variant (also known as c.1862T>G), located in coding exon 11 of the LDB3 gene, results from a T to G substitution at nucleotide position 1862. The valine at codon 621 is replaced by glycine, an amino acid with dissimilar properties. This amino acid position is conserved. In addition, this alteration is predicted to be deleterious by in silico analysis. Since supporting evidence is limited at this time, the clinical significance of this alteration remains unclear.